The following is an entry in ClinVar:

NM_004656.4(BAP1):c.688C>T (p.Leu230=)

Gene: BAP1 (BRCA1 associated deubiquitinase 1; minus strand). Cytogenetic location: 3p21.1.
Variant type: single nucleotide variant.
Coding change: c.688C>T on transcript NM_004656.4 (MANE Select); coding-DNA position 688, C replaced by T.
Protein change: p.Leu230=; no amino-acid change (leucine 230 retained).
Molecular consequence: synonymous variant.
Genome position (GRCh38, 1-based): chr3:52,406,348, G>A on the plus strand (C>T on the coding strand, the complement: BAP1 is on the minus strand). VCF-style: chr3-52406348-G-A. GRCh37 (hg19) VCF-style: chr3-52440364-G-A.
Other names: c.688C>T (NM_004656.2).
Identifiers: ClinVar variation 472712 (VCV000472712.18), dbSNP rs150084170, ClinGen allele CA2437017.

ClinVar aggregate classification (germline): Benign/Likely benign. Review status: criteria provided, multiple submitters, no conflicts (2 of 4 stars). 6 submissions from 6 submitters: Benign (1); Likely benign (4). 1 of the submissions does not count toward it. Last evaluated 2025-08-17.

Conditions:
BAP1-related disorder. Also called: BAP1-related condition.
Hereditary cancer-predisposing syndrome. Also called: Neoplastic Syndromes, Hereditary; Tumor predisposition; Hereditary Cancer Syndrome; Hereditary neoplastic syndrome. Identifiers: Orphanet 140162, MedGen C0027672, MeSH D009386, MONDO:0015356.
BAP1-related tumor predisposition syndrome (TPDS1). Also called: BAP1 tumor predisposition syndrome; COMMON Syndrome; TUMOR PREDISPOSITION SYNDROME 1; Tumor susceptibility linked to germline BAP1 mutations. Identifiers: Orphanet 289539, MedGen C3280492, MONDO:0013692, OMIM 614327.

Allele frequency attached by ClinVar (database versions not stated): TOPMed below 0.00001; ExAC 0.00001; gnomAD 0.00001; gnomAD exomes 0.00001; ESP Exome Variant Server 0.00008.

Submissions (6):

Labcorp Genetics (formerly Invitae), Labcorp
Classification: Likely benign for BAP1-related tumor predisposition syndrome. Last evaluated: 2025-08-17. Review status: criteria provided, single submitter. Criteria: Invitae Variant Classification Sherloc (09022015). Collection method: clinical testing. Allele origin: germline.

Ambry Genetics
Classification: Likely benign for Hereditary cancer-predisposing syndrome. Last evaluated: 2024-09-17. Review status: criteria provided, single submitter. Criteria: Ambry Variant Classification Scheme 2023. Collection method: clinical testing. Allele origin: germline.

Myriad Genetics, Inc.
Classification: Benign for BAP1-related tumor predisposition syndrome. Last evaluated: 2024-07-15. Review status: criteria provided, single submitter. Criteria: Myriad Autosomal Dominant, Autosomal Recessive and X-Linked Classification Criteria (2023). Collection method: clinical testing. Allele origin: unknown.
Comment: This variant is considered benign. This variant is a silent/synonymous amino acid change and it is not expected to impact splicing.

GeneDx
Classification: Likely benign. Last evaluated: 2021-06-17. Review status: criteria provided, single submitter. Criteria: GeneDx Variant Classification Process June 2021. Collection method: clinical testing. Allele origin: germline. Affected: yes.

Color Diagnostics, LLC DBA Color Health
Classification: Likely benign for Hereditary cancer-predisposing syndrome. Last evaluated: 2018-04-30. Review status: criteria provided, single submitter. Criteria: ACMG Guidelines, 2015. Collection method: clinical testing. Allele origin: germline.

PreventionGenetics, part of Exact Sciences
Classification: Likely benign for BAP1-related condition. Last evaluated: 2023-10-16. Review status: no assertion criteria provided. Collection method: clinical testing. Allele origin: germline. Not counted in ClinVar's aggregate classification.
Comment: This variant is classified as likely benign based on ACMG/AMP sequence variant interpretation guidelines (Richards et al. 2015 PMID: 25741868, with internal and published modifications).